The following is an entry in ClinVar:

ClinVar aggregate classification (germline): Uncertain significance. Review status: criteria provided, multiple submitters, no conflicts (2 of 4 stars). 2 submissions from 2 submitters: Uncertain significance (2). Last evaluated 2024-10-08.

Allele frequency attached by ClinVar (database versions not stated): gnomAD 0.00005; TOPMed 0.00007; ESP Exome Variant Server 0.00008; gnomAD exomes 0.00009 and 0.00017; ExAC 0.00012.
gnomAD v4.1: 253 of 1,614,112 alleles (0.016%); highest among the groups gnomAD compares: Non-Finnish European, 0.021%; no homozygotes.

Submissions (2):

Blueprint Genetics
Classification: Uncertain significance. Last evaluated: 2024-10-08. Review status: criteria provided, single submitter. Criteria: ACMG Guidelines, 2015. Collection method: clinical testing. Allele origin: germline.

Labcorp Genetics (formerly Invitae), Labcorp
Classification: Uncertain significance. Last evaluated: 2022-08-07. Review status: criteria provided, single submitter. Criteria: Invitae Variant Classification Sherloc (09022015). Collection method: clinical testing. Allele origin: germline.
Comment: This sequence change replaces leucine, which is neutral and non-polar, with proline, which is neutral and non-polar, at codon 166 of the C1QA protein (p.Leu166Pro). This variant is present in population databases (rs200812579, gnomAD 0.02%). This variant has not been reported in the literature in individuals affected with C1QA-related conditions. ClinVar contains an entry for this variant (Variation ID: 1489296). Algorithms developed to predict the effect of missense changes on protein structure and function are either unavailable or do not agree on the potential impact of this missense change (SIFT: "Deleterious"; PolyPhen-2: "Benign"; Align-GVGD: "Class C0"). In summary, the available evidence is currently insufficient to determine the role of this variant in disease. Therefore, it has been classified as a Variant of Uncertain Significance.

NM_015991.4(C1QA):c.497T>C (p.Leu166Pro)

Gene: C1QA (complement C1q A chain; plus strand). Cytogenetic location: 1p36.12.
Variant type: single nucleotide variant.
Coding change: c.497T>C on transcript NM_015991.4 (MANE Select); coding-DNA position 497, T replaced by C.
Protein change: p.Leu166Pro; replaces leucine 166 with proline.
Molecular consequence: missense variant.
Genome position (GRCh38, 1-based): chr1:22,639,166, T>C. VCF-style: chr1-22639166-T-C. GRCh37 (hg19) VCF-style: chr1-22965659-T-C.
Other names: c.497T>C, p.Leu166Pro (NM_001347465.2, NM_001347466.2); short protein forms L166P.
Identifiers: ClinVar variation 1489296 (VCV001489296.6), dbSNP rs200812579, ClinGen allele CA677791.